The following is an entry in ClinVar:

ClinVar aggregate classification (germline): Uncertain significance (1 of 4 stars; one submission).

Submission:

Labcorp Genetics (formerly Invitae), Labcorp
Classification: Uncertain significance. Last evaluated: 2022-11-22. Review status: criteria provided, single submitter. Criteria: Invitae Variant Classification Sherloc (09022015). Collection method: clinical testing. Allele origin: germline.
Comment: In summary, the available evidence is currently insufficient to determine the role of this variant in disease. Therefore, it has been classified as a Variant of Uncertain Significance. Algorithms developed to predict the effect of sequence changes on RNA splicing suggest that this variant may disrupt the consensus splice site. Experimental studies and prediction algorithms are not available or were not evaluated, and the functional significance of this variant is currently unknown. This variant has not been reported in the literature in individuals affected with ARMC9-related conditions. This variant is not present in population databases (gnomAD no frequency). This sequence change replaces aspartic acid, which is acidic and polar, with valine, which is neutral and non-polar, at codon 509 of the ARMC9 protein (p.Asp509Val).

NM_001352754.2(ARMC9):c.1526A>T (p.Asp509Val)

Gene: ARMC9 (armadillo repeat containing 9; plus strand). Cytogenetic location: 2q37.1.
Variant type: single nucleotide variant.
Coding change: c.1526A>T on transcript NM_001352754.2 (MANE Select); coding-DNA position 1526, A replaced by T.
Protein change: p.Asp509Val; replaces aspartic acid 509 with valine.
Molecular consequence: missense variant. On other transcripts: non-coding transcript variant (1).
Genome position (GRCh38, 1-based): chr2:231,278,433, A>T. VCF-style: chr2-231278433-A-T. GRCh37 (hg19) VCF-style: chr2-232143146-A-T.
Other names: c.1526A>T, p.Asp509Val (NM_001271466.4, NM_001291656.2, NM_001352755.2 and 3 more transcripts); c.1427A>T, p.Asp476Val (NM_001352757.2, NM_001352758.2); short protein forms D476V, D509V.
Identifiers: ClinVar variation 2093344 (VCV002093344.4), dbSNP rs2039945342, ClinGen allele CA350956846.